The following is an entry in ClinVar:

NM_003072.5(SMARCA4):c.1892dup (p.Asp632fs)

Gene: SMARCA4 (SWI/SNF related BAF chromatin remodeling complex subunit ATPase 4; plus strand). Cytogenetic location: 19p13.2.
Variant type: Duplication.
Coding change: c.1892dup on transcript NM_003072.5 (MANE Select); coding-DNA position 1892, one base duplicated (C; older notation c.1892dupC).
Protein change: p.Asp632fs; shifts the reading frame from aspartic acid 632.
Molecular consequence: frameshift variant. On other transcripts: non-coding transcript variant (1).
Genome position (GRCh38, 1-based): chr19:11,003,108, C duplicated. VCF-style (leftmost placement, unchanged base first): chr19-11003107-A-AC. GRCh37 (hg19) VCF-style: chr19-11113783-A-AC.
Other names: c.1892dup, p.Asp632fs (NM_001128844.3, NM_001128845.2, NM_001128846.2 and 5 more transcripts); c.1892dup, p.Asp632Argfs (NM_001411150.1); short protein forms D632fs.
Identifiers: ClinVar variation 1782095 (VCV001782095.3), dbSNP rs2514451510, ClinGen allele CA2580096303.
Genomic context (GRCh38, chr19:11,003,107, plus strand): 5'-CAGATGAGCGACCTCCCGGTGAAGGTGATCCACGTGGAGAGTGGGAAGATCCTCACAGGC[A>AC]CAGATGCCCCCAAAGCCGGGCAGCTGGAGGCCTGGCTCGAGATGAACCCGGGGTGAGTTG-3'

ClinVar aggregate classification (germline): Pathogenic (1 of 4 stars; one submission).

Conditions:
Hereditary cancer-predisposing syndrome. Also called: Tumor predisposition; Hereditary Cancer Syndrome; Hereditary neoplastic syndrome; Neoplastic Syndromes, Hereditary. Identifiers: Orphanet 140162, MedGen C0027672, MeSH D009386, MONDO:0015356.

Submission:

Ambry Genetics
Classification: Pathogenic for Hereditary cancer-predisposing syndrome. Last evaluated: 2026-02-05. Review status: criteria provided, single submitter. Criteria: Ambry Variant Classification Scheme 2023. Collection method: clinical testing. Allele origin: germline.
Comment: The c.1892dupC pathogenic mutation, located in coding exon 11 of the SMARCA4 gene, results from a duplication of C at nucleotide position 1892, causing a translational frameshift with a predicted alternate stop codon (p.D632Rfs*19). This alteration is expected to result in loss of function by premature protein truncation or nonsense-mediated mRNA decay. This variant was reported in individual(s) with features consistent with rhabdoid tumor predisposition syndrome (Ambry internal data). This variant is considered to be rare based on population cohorts in the Genome Aggregation Database (gnomAD). Loss-of-function variants in SMARCA4 are known to cause rhabdoid tumor predisposition syndrome including small cell carcinoma of the ovary-hypercalcemic type (SCCOHT); however, such associations with neurodevelopmental disorders are exceedingly rare (Kosho T et al. Am J Med Genet C Semin Med Genet. 2014 Sep;166C(3):262-75; Jelinic P et al. Nat Genet. 2014 May;46(5):424-6). Based on the supporting evidence, this alteration is pathogenic for rhabdoid tumor predisposition syndrome; however, the association of this alteration with Coffin-Siris syndrome is unlikely.